The following is an entry in ClinVar:

NM_001319074.4(RAX2):c.233G>A (p.Arg78His)

Gene: RAX2 (retina and anterior neural fold homeobox 2; minus strand). Cytogenetic location: 19p13.3.
Variant type: single nucleotide variant.
Coding change: c.233G>A on transcript NM_001319074.4 (MANE Select); coding-DNA position 233, G replaced by A.
Protein change: p.Arg78His; replaces arginine 78 with histidine.
Molecular consequence: missense variant.
Genome position (GRCh38, 1-based): chr19:3,770,943, C>T on the plus strand (G>A on the coding strand, the complement: RAX2 is on the minus strand). VCF-style: chr19-3770943-C-T. GRCh37 (hg19) VCF-style: chr19-3770941-C-T.
Other names: c.233G>A, p.Arg78His (NM_032753.4); short protein forms R78H.
Identifiers: ClinVar variation 96231 (VCV000096231.15), dbSNP rs398124430, ClinGen allele CA223844.

ClinVar aggregate classification (germline): Conflicting classifications of pathogenicity. Review status: criteria provided, conflicting classifications (1 of 4 stars). 4 submissions from 4 submitters: Likely pathogenic (1); Uncertain significance (3). Last evaluated 2025-12-03.

Conditions:
RAX2-related disorder. Also called: RAX2-related disorders; RAX2-related condition.

Allele frequency attached by ClinVar (database versions not stated): TOPMed 0.00002; gnomAD exomes 0.00005; gnomAD 0.00001.

Submissions (4):

Labcorp Genetics (formerly Invitae), Labcorp
Classification: Uncertain significance. Last evaluated: 2025-12-03. Review status: criteria provided, single submitter. Criteria: Invitae Variant Classification Sherloc (09022015). Collection method: clinical testing. Allele origin: germline.
Comment: This sequence change replaces arginine, which is basic and polar, with histidine, which is basic and polar, at codon 78 of the RAX2 protein (p.Arg78His). The frequency data for this variant in the population databases is considered unreliable, as metrics indicate poor data quality at this position in the gnomAD database. This missense change has been observed in individuals with autosomal recessive retinitis pigmentosa (internal data). ClinVar contains an entry for this variant (Variation ID: 96231). An algorithm developed to predict the effect of missense changes on protein structure and function (PolyPhen-2) suggests that this variant is likely to be disruptive. In summary, the available evidence is currently insufficient to determine the role of this variant in disease. Therefore, it has been classified as a Variant of Uncertain Significance.

PreventionGenetics, part of Exact Sciences
Classification: Uncertain significance for RAX2-related condition. Last evaluated: 2025-03-05. Review status: criteria provided, single submitter. Criteria: ACMG Guidelines, 2015. Collection method: clinical testing. Allele origin: germline.
Comment: The RAX2 c.233G>A variant is predicted to result in the amino acid substitution p.Arg78His. To our knowledge, this variant has not been reported in the literature. This variant is present in 0.022% of alleles in individuals of Latino descent in gnomAD. At this time, the clinical significance of this variant is uncertain due to the absence of conclusive functional and genetic evidence.

Blueprint Genetics
Classification: Likely pathogenic for RAX2-related disorders. Last evaluated: 2023-11-29. Review status: criteria provided, single submitter. Criteria: ACMG Guidelines, 2015. Collection method: clinical testing. Allele origin: germline. Affected: yes. Observed: 5 variant alleles.

Eurofins Ntd Llc (ga)
Classification: Uncertain significance. Last evaluated: 2013-09-19. Review status: criteria provided, single submitter. Criteria: EGL Classification Definitions 2015. Collection method: clinical testing. Allele origin: germline. Observed: 1 variant allele, 1 heterozygote.